The following is an entry in ClinVar:

NM_000371.4(TTR):c.92C>T (p.Pro31Leu)

Gene: TTR (transthyretin; plus strand). Cytogenetic location: 18q12.1.
Variant type: single nucleotide variant.
Coding change: c.92C>T on transcript NM_000371.4 (MANE Select); coding-DNA position 92, C replaced by T.
Protein change: p.Pro31Leu; replaces proline 31 with leucine.
Molecular consequence: missense variant.
Genome position (GRCh38, 1-based): chr18:31,592,918, C>T. VCF-style: chr18-31592918-C-T. GRCh37 (hg19) VCF-style: chr18-29172881-C-T.
Other names: p.Pro31Leu; short protein forms P31L.
Identifiers: ClinVar variation 3901847 (VCV003901847.1).
Genomic context (GRCh38, chr18:31,592,918, plus strand): 5'-AATTTTGTTAACTTCTCACGTGTCTTCTCTACACCCAGGGCACCGGTGAATCCAAGTGTC[C>T]TCTGATGGTCAAAGTTCTAGATGCTGTCCGAGGCAGTCCTGCCATCAATGTGGCCGTGCA-3'
Protein context (NP_000362.1, residues 21-41): GPTGTGESKC[Pro31Leu]LMVKVLDAVR

ClinVar aggregate classification (germline): Likely pathogenic (1 of 4 stars; one submission).

Conditions:
Amyloidosis, hereditary systemic 1 (AMYLD1). Also called: Hereditary Transthyretin Amyloidosis; Isolated Cardiac Amyloidosis; Amyloid Cardiomyopathy, Transthyretin-related; Familial amyloid polyneuropathy; Transthyretin Amyloidosis; Hereditary oculoleptomeningeal amyloid angiopathy. Identifiers: Orphanet 85447, Orphanet 85451, MedGen C2751492, MONDO:0971004, OMIM 105210.

Submission:

Foundation for Research in Genetics and Endocrinology, FRIGE's Institute of Human Genetics
Classification: Likely pathogenic for Amyloidosis, hereditary systemic 1. Last evaluated: 2025-05-08. Review status: criteria provided, single submitter. Criteria: ACMG Guidelines, 2015. Collection method: clinical testing. Allele origin: germline. Inheritance: Autosomal dominant inheritance. Affected: yes. Observed: 1 heterozygote.
Comment: A heterozygous variant in exon 2 of the TTR gene that results in the amino acid substitution of Leucine for Prolin at codon 31 was detected. The observed variant c.92C>T (p.Pro31Leu) has a MAF of 0.0001% in the gnomAD database. The in silico predictions of the variant are deleterious by CADD, SIFT, PROVEAN, LRT and MutationTaster. The reference codon is conserved across species. In summary, the variant meets our criteria to be classified as likely pathogenic.